The following is an entry in ClinVar:

NM_021999.5(ITM2B):c.368AAG[2] (p.Glu125_Glu126del)

Gene: ITM2B (integral membrane protein 2B; plus strand). Cytogenetic location: 13q14.2.
Variant type: Microsatellite.
Coding change: c.368AAG[2] on transcript NM_021999.5 (MANE Select); two copies in a row of the 3-base unit AAG starting at c.368; the reference has four copies in a row; two copies, 6 bases deleted.
Protein change: p.Glu125_Glu126del.
Molecular consequence: inframe deletion.
Genome position (GRCh38, 1-based): chr13:48,256,304-48,256,309, AAGAAG deleted; deleting any 6 consecutive bases within chr13:48,256,297-48,256,309 gives the same sequence; the position shown is the placement nearest the transcript's 3' end. VCF-style (leftmost placement, unchanged base first): chr13-48256296-TGAAGAA-T. GRCh37 (hg19) VCF-style: chr13-48830432-TGAAGAA-T.
Identifiers: ClinVar variation 1483101 (VCV001483101.6), dbSNP rs751018650, ClinGen allele CA6978761.

ClinVar aggregate classification (germline): Uncertain significance (1 of 4 stars; one submission).

Submission:

Labcorp Genetics (formerly Invitae), Labcorp
Classification: Uncertain significance. Last evaluated: 2025-08-31. Review status: criteria provided, single submitter. Criteria: Invitae Variant Classification Sherloc (09022015). Collection method: clinical testing. Allele origin: germline.
Comment: This variant, c.374_379del, results in the deletion of 2 amino acid(s) of the ITM2B protein (p.Glu125_Glu126del), but otherwise preserves the integrity of the reading frame. This variant is present in population databases (rs751018650, gnomAD 0.01%). This variant has not been reported in the literature in individuals affected with ITM2B-related conditions. Experimental studies and prediction algorithms are not available or were not evaluated, and the functional significance of this variant is currently unknown. In summary, the available evidence is currently insufficient to determine the role of this variant in disease. Therefore, it has been classified as a Variant of Uncertain Significance.